The following is an entry in ClinVar:

ClinVar aggregate classification (germline): Uncertain significance. Review status: criteria provided, multiple submitters, no conflicts (2 of 4 stars). 2 submissions from 2 submitters: Uncertain significance (2). Last evaluated 2021-11-02.

Conditions:
Familial thoracic aortic aneurysm and aortic dissection (TAAD). Also called: Thoracic aortic aneurysms and dissections. Identifiers: Orphanet 91387, MedGen C4707243, MONDO:0019625.

Submissions (2):

Labcorp Genetics (formerly Invitae), Labcorp
Classification: Uncertain significance for Familial thoracic aortic aneurysm and aortic dissection. Last evaluated: 2021-11-02. Review status: criteria provided, single submitter. Criteria: Invitae Variant Classification Sherloc (09022015). Collection method: clinical testing. Allele origin: germline.
Comment: This sequence change replaces valine, which is neutral and non-polar, with phenylalanine, which is neutral and non-polar, at codon 276 of the TGFBR2 protein (p.Val276Phe). In summary, the available evidence is currently insufficient to determine the role of this variant in disease. Therefore, it has been classified as a Variant of Uncertain Significance. Advanced modeling of protein sequence and biophysical properties (such as structural, functional, and spatial information, amino acid conservation, physicochemical variation, residue mobility, and thermodynamic stability) performed at Invitae indicates that this missense variant is expected to disrupt TGFBR2 protein function. ClinVar contains an entry for this variant (Variation ID: 849991). This missense change has been observed in individual(s) with thoracic aortic disease (PMID: 27879313; Invitae). This variant is not present in population databases (gnomAD no frequency).

Ambry Genetics
Classification: Uncertain significance for Familial thoracic aortic aneurysm and aortic dissection. Last evaluated: 2016-01-19. Review status: criteria provided, single submitter. Criteria: Ambry Variant Classification Scheme 2023. Collection method: clinical testing. Allele origin: germline.
Comment: The p.V276F variant (also known as c.826G>T), located in coding exon 4 of the TGFBR2 gene, results from a G to T substitution at nucleotide position 826. The valine at codon 276 is replaced by phenylalanine, an amino acid with highly similar properties. This variant was not reported in population based cohorts in the following databases: Database of Single Nucleotide Polymorphisms (dbSNP), NHLBI Exome Sequencing Project (ESP), and 1000 Genomes Project. In the ESP, this variant was not observed in 6503 samples (13006 alleles) with coverage at this position. This amino acid position is well conserved in available vertebrate species. In addition, this alteration is predicted to be deleterious by in silico analysis. Since supporting evidence is limited at this time, the clinical significance of this variant remains unclear.

Literature cited by the submitters: PubMed 27879313 (cited by Labcorp Genetics (formerly Invitae), Labcorp).

NM_003242.6(TGFBR2):c.826G>T (p.Val276Phe)

Gene: TGFBR2 (transforming growth factor beta receptor 2; plus strand). Cytogenetic location: 3p24.1.
Variant type: single nucleotide variant.
Coding change: c.826G>T on transcript NM_003242.6 (MANE Select); coding-DNA position 826, G replaced by T.
Protein change: p.Val276Phe; replaces valine 276 with phenylalanine.
Molecular consequence: missense variant.
Genome position (GRCh38, 1-based): chr3:30,672,009, G>T. VCF-style: chr3-30672009-G-T. GRCh37 (hg19) VCF-style: chr3-30713501-G-T.
Other names: c.901G>T, p.Val301Phe (NM_001024847.3); c.1009G>T, p.Val337Phe (NM_001407126.1); c.934G>T, p.Val312Phe (NM_001407127.1); c.853G>T, p.Val285Phe (NM_001407128.1); c.829G>T, p.Val277Phe (NM_001407129.1); c.826G>T, p.Val276Phe (NM_001407130.1); c.721G>T, p.Val241Phe (NM_001407132.1, NM_001407133.1, NM_001407134.1 and 2 more transcripts); c.541G>T, p.Val181Phe (NM_001407137.1); and 1 more; short protein forms V276F, V301F, V181F, V312F, V156F, V241F, V277F, V285F.
Identifiers: ClinVar variation 849991 (VCV000849991.9), dbSNP rs1699348482, ClinGen allele CA351807953.